The following is an entry in ClinVar:

ClinVar aggregate classification (germline): Uncertain significance (1 of 4 stars; one submission).

Conditions:
RFX3-related disorder. Also called: RFX3-related condition.

gnomAD v4.1: 1 of 1,611,408 alleles (0.000062%); highest among the groups gnomAD compares: Non-Finnish European, 0.000085%; no homozygotes.

Submission:

PreventionGenetics, part of Exact Sciences
Classification: Uncertain significance for RFX3-related condition. Last evaluated: 2025-09-24. Review status: criteria provided, single submitter. Criteria: ACMG Guidelines, 2015. Collection method: clinical testing. Allele origin: germline.
Comment: The RFX3 c.1402G>A variant is predicted to result in the amino acid substitution p.Gly468Ser. To our knowledge, this variant has not been reported in the literature or in a large population database (gnomAD), indicating this variant is rare. At this time, the clinical significance of this variant is uncertain due to the absence of conclusive functional and genetic evidence.

NM_001282116.2(RFX3):c.1402G>A (p.Gly468Ser)

Gene: RFX3 (regulatory factor X3; minus strand). Cytogenetic location: 9p24.2.
Variant type: single nucleotide variant.
Coding change: c.1402G>A on transcript NM_001282116.2 (MANE Select); coding-DNA position 1402, G replaced by A.
Protein change: p.Gly468Ser; replaces glycine 468 with serine.
Molecular consequence: missense variant.
Genome position (GRCh38, 1-based): chr9:3,266,261, C>T on the plus strand (G>A on the coding strand, the complement: RFX3 is on the minus strand). VCF-style: chr9-3266261-C-T. GRCh37 (hg19) VCF-style: chr9-3266261-C-T.
Other names: c.1402G>A, p.Gly468Ser (NM_001377999.1, NM_002919.4, NM_134428.3); short protein forms G468S.
Identifiers: ClinVar variation 4985203 (VCV004985203.1).